The following is an entry in ClinVar:

ClinVar aggregate classification (germline): Likely benign. Review status: criteria provided, multiple submitters, no conflicts (2 of 4 stars). 2 submissions from 2 submitters: Likely benign (2). Last evaluated 2025-09-19.

Conditions:
Hereditary diffuse gastric adenocarcinoma (HDGC). Also called: DIFFUSE GASTRIC AND LOBULAR BREAST CANCER SYNDROME. Identifiers: Orphanet 26106, MedGen C1708349, MONDO:0007648, OMIM 137215.

Submissions (2):

Labcorp Genetics (formerly Invitae), Labcorp
Classification: Likely benign for Hereditary diffuse gastric adenocarcinoma. Last evaluated: 2025-09-19. Review status: criteria provided, single submitter. Criteria: Invitae Variant Classification Sherloc (09022015). Collection method: clinical testing. Allele origin: germline.

Myriad Genetics, Inc.
Classification: Likely benign for Hereditary diffuse gastric adenocarcinoma. Last evaluated: 2024-09-17. Review status: criteria provided, single submitter. Criteria: Myriad Autosomal Dominant, Autosomal Recessive and X-Linked Classification Criteria (2023). Collection method: clinical testing. Allele origin: unknown.
Comment: This variant is considered likely benign. This variant is intronic and is not expected to impact mRNA splicing.

NM_004360.5(CDH1):c.1009-12A>C

Gene: CDH1 (cadherin 1; plus strand). Cytogenetic location: 16q22.1.
Variant type: single nucleotide variant.
Coding change: c.1009-12A>C on transcript NM_004360.5 (MANE Select); 12 bases into the intron before coding-DNA position 1009, A replaced by C.
Molecular consequence: intron variant.
Genome position (GRCh38, 1-based): chr16:68,812,123, A>C. VCF-style: chr16-68812123-A-C. GRCh37 (hg19) VCF-style: chr16-68846026-A-C.
Other names: c.-607-12A>C (NM_001317185.2); c.-811-12A>C (NM_001317186.2); c.1009-12A>C (NM_001317184.2).
Identifiers: ClinVar variation 1663730 (VCV001663730.9), dbSNP rs2152132463, ClinGen allele CA2573152608.
Genomic context (GRCh38, chr16:68,812,123, plus strand): 5'-GTGTTGGGCTGGGCTAGGCCAAAGGTGGCTAGTGTTCCTGGTCCTGACTTGGTTGTGTCG[A>C]TCTCTCTGCAGAGTTTCCCTACGTATACCCTGGTGGTTCAAGCTGCTGACCTTCAAGGTG-3'